The following is an entry in ClinVar:

NM_001042492.3(NF1):c.7526C>T (p.Pro2509Leu)

Gene: NF1 (neurofibromin 1; plus strand). Cytogenetic location: 17q11.2.
Variant type: single nucleotide variant.
Coding change: c.7526C>T on transcript NM_001042492.3 (MANE Select); coding-DNA position 7526, C replaced by T.
Protein change: p.Pro2509Leu; replaces proline 2509 with leucine.
Molecular consequence: missense variant.
Genome position (GRCh38, 1-based): chr17:31,352,325, C>T. VCF-style: chr17-31352325-C-T. GRCh37 (hg19) VCF-style: chr17-29679343-C-T.
Other names: c.7463C>T, p.Pro2488Leu (NM_000267.4); short protein forms P2488L, P2509L.
Identifiers: ClinVar variation 185402 (VCV000185402.15), dbSNP rs786202146, ClinGen allele CA191831.
Genomic context (GRCh38, chr17:31,352,325, plus strand): 5'-AGGAGACTCAGCCATGGTCCTCTCCCAAAGGTTCTGAAGGATACCTTGCAGCCACCTATC[C>T]AACTGTCGGCCAGACCAGTCCCCGAGCCAGGAAATCCATGAGCCTGGACATGGGGCAACC-3'
Protein context (NP_001035957.1, residues 2499-2519): GSEGYLAATY[Pro2509Leu]TVGQTSPRAR

ClinVar aggregate classification (germline): Conflicting classifications of pathogenicity. Review status: criteria provided, conflicting classifications (1 of 4 stars). 5 submissions from 4 submitters: Uncertain significance (3); Benign (1); Likely benign (1). Last evaluated 2026-03-20.

Conditions:
Cardiovascular phenotype. Identifiers: MedGen CN230736.
Hereditary cancer-predisposing syndrome. Also called: Tumor predisposition; Hereditary Cancer Syndrome; Hereditary neoplastic syndrome; Neoplastic Syndromes, Hereditary. Identifiers: Orphanet 140162, MedGen C0027672, MeSH D009386, MONDO:0015356.
Neurofibromatosis, type 1 (NF1). Also called: Peripheral type neurofibromatosis; NEUROFIBROMATOSIS, TYPE I, SOMATIC; Neurofibromatosis, type I; VON RECKLINGHAUSEN DISEASE. Identifiers: Orphanet 636, MedGen C0027831, MONDO:0018975, OMIM 162200. Disease mechanism: loss of function.

Allele frequency attached by ClinVar (database versions not stated): gnomAD exomes below 0.00001; TOPMed below 0.00001.
gnomAD v4.1: 2 of 1,614,106 alleles (0.00012%); highest among the groups gnomAD compares: Non-Finnish European, 0.00017%; no homozygotes.

Submissions (5):

Ambry Genetics
Classification: Likely benign for Cardiovascular phenotype; Hereditary cancer-predisposing syndrome. Last evaluated: 2026-03-20. Review status: criteria provided, single submitter. Criteria: Ambry Variant Classification Scheme 2023. Collection method: clinical testing. Allele origin: germline.

Labcorp Genetics (formerly Invitae), Labcorp
Classification: Benign for Neurofibromatosis, type 1. Last evaluated: 2025-12-18. Review status: criteria provided, single submitter. Criteria: Invitae Variant Classification Sherloc (09022015). Collection method: clinical testing. Allele origin: germline.

Genome-Nilou Lab
Classification: Uncertain significance for Neurofibromatosis, type 1. Last evaluated: 2022-03-15. Review status: criteria provided, single submitter. Criteria: ACMG Guidelines, 2015. Collection method: clinical testing. Allele origin: germline. Affected: no.

Sema4
Classification: Uncertain significance for Hereditary cancer-predisposing syndrome. Last evaluated: 2021-06-03. Review status: criteria provided, single submitter. Criteria: Sema4 Curation Guidelines. Collection method: curation. Allele origin: germline.
Comment: The NF1 c.7463C>T (p.P2488L) variant has been reported in heterozygosity in at least two individuals with breast cancer (PMID: 33471991). This variant is not reported in the population database Genome Aggregation Database (PMID: 32461654) but has been reported in ClinVar (Variation ID: 185402). In silico tools suggest the impact of the variant on protein function is inconclusive, though these predictions have not been confirmed by functional studies. Based on the current evidence available, this variant is interpreted as a variant of uncertain significance.

Ambry Genetics
Classification: Uncertain significance for Hereditary cancer-predisposing syndrome. Last evaluated: 2015-03-02. Review status: criteria provided, single submitter. Criteria: Ambry Autosomal Dominant and X-Linked criteria (10/2015). Collection method: clinical testing. Allele origin: germline. Observed: 1 variant allele.
Comment: The p.P2509L variant (also known as c.7526C>T), located in coding exon 51 of the NF1 gene, results from a C to T substitution at nucleotide position 7526. The proline at codon 2509 is replaced by leucine, an amino acid with similar properties. This variant was not reported in population based cohorts in the following databases: Database of Single Nucleotide Polymorphisms (dbSNP), NHLBI Exome Sequencing Project (ESP), and 1000 Genomes Project. In the ESP, this variant was not observed in 6503 samples (13006 alleles) with coverage at this position. To date, this alteration has been detected with an allele frequency of approximately 0.01% (greater than 55000 alleles tested) in our clinical cohort. Based on protein sequence alignment, this amino acid position is highly conserved in available vertebrate species. In addition, this alteration is predicted to be benign yet deleterious by PolyPhen and SIFT in silico analyses, respectively. Since supporting evidence is limited at this time, the clinical significance of p.P2509L remains unclear.

Literature cited by the submitters: PubMed 33471991 (cited by Sema4).